The following is an entry in ClinVar:

ClinVar aggregate classification (germline): Likely pathogenic (1 of 4 stars; one submission).

Conditions:
Nemaline myopathy 2 (NEM2). Also called: Nemaline myopathy 2, autosomal recessive. Identifiers: MedGen C1850569, MONDO:0009725, OMIM 256030.

Submission:

Myriad Genetics, Inc.
Classification: Likely pathogenic for Nemaline myopathy 2. Last evaluated: 2022-02-17. Review status: criteria provided, single submitter. Criteria: Myriad Women's Health Autosomal Recessive and X-Linked Classification Criteria (2021). Collection method: clinical testing. Allele origin: unknown.
Comment: NM_001271208.1(NEB):c.19106_19107delAA(K6369Ifs*2) is expected to be pathogenic in the context of NEB-related nemaline myopathy. This variant is predicted to lead to an abnormal or absent protein product due to the creation of a premature termination codon in NEB, a gene where loss-of-function variants are known to be pathogenic. Please note: this variant was assessed in the context of healthy population screening.

NM_001164508.2(NEB):c.19106_19107del (p.Lys6369fs)

Gene: NEB (nebulin; minus strand). Cytogenetic location: 2q23.3.
Variant type: Deletion.
Coding change: c.19106_19107del on transcript NM_001164508.2 (MANE Select); coding-DNA positions 19106 to 19107, 2 bases deleted (AA; older notation c.19106_19107delAA).
Protein change: p.Lys6369fs; shifts the reading frame from lysine 6369.
Molecular consequence: frameshift variant.
Genome position (GRCh38, 1-based): chr2:151,561,103-151,561,104, TT deleted on the plus strand (AA on the coding strand, the reverse complement: NEB is on the minus strand); deleting any 2 consecutive bases within chr2:151,561,103-151,561,106 gives the same sequence; the c. name uses the placement nearest the transcript's 3' end. VCF-style (leftmost placement, unchanged base first): chr2-151561102-ATT-A. GRCh37 (hg19) VCF-style: chr2-152417616-ATT-A.
Other names: c.19106_19107del, p.Lys6369fs (NM_001164507.2, NM_001271208.2); c.14003_14004del, p.Lys4668fs (NM_004543.5); short protein forms K4668fs, K6369fs.
Identifiers: ClinVar variation 1724484 (VCV001724484.2), dbSNP rs2552189361, ClinGen allele CA2580063902.